The following is an entry in ClinVar:

NM_000303.3(PMM2):c.618C>A (p.Phe206Leu)

Gene: PMM2 (phosphomannomutase 2; plus strand). Cytogenetic location: 16p13.2.
Variant type: single nucleotide variant.
Coding change: c.618C>A on transcript NM_000303.3 (MANE Select); coding-DNA position 618, C replaced by A.
Protein change: p.Phe206Leu; replaces phenylalanine 206 with leucine.
Molecular consequence: missense variant.
Genome position (GRCh38, 1-based): chr16:8,813,085, C>A. VCF-style: chr16-8813085-C-A. GRCh37 (hg19) VCF-style: chr16-8906942-C-A.
Other names: short protein forms F206L.
Identifiers: ClinVar variation 556280 (VCV000556280.7), dbSNP rs1460691341, ClinGen allele CA394698039.

ClinVar aggregate classification (germline): Pathogenic. Review status: criteria provided, single submitter (1 of 4 stars). 2 submissions from 2 submitters: Pathogenic (1). 1 of the submissions does not count toward it. Last evaluated 2023-07-10.

Conditions:
PMM2-congenital disorder of glycosylation. Also called: PMM2-CDG; Congenital disorder of glycosylation, type Ia; CDG Ia; JAEKEN SYNDROME; PHOSPHOMANNOMUTASE 2 DEFICIENCY; CARBOHYDRATE-DEFICIENT GLYCOPROTEIN SYNDROME, TYPE Ia. Identifiers: Orphanet 79318, MedGen C0349653, MONDO:0008907, OMIM 212065.

Allele frequency attached by ClinVar (database versions not stated): TOPMed below 0.00001.
gnomAD v4.1: 1 of 1,603,888 alleles (0.000062%); no homozygotes.

Submissions (2):

Labcorp Genetics (formerly Invitae), Labcorp
Classification: Pathogenic for PMM2-congenital disorder of glycosylation. Last evaluated: 2023-07-10. Review status: criteria provided, single submitter. Criteria: Invitae Variant Classification Sherloc (09022015). Collection method: clinical testing. Allele origin: germline.
Comment: This missense change has been observed in individual(s) with congenital disorder of glycosylation type 1a (PMID: 19165618). In at least one individual the data is consistent with being in trans (on the opposite chromosome) from a pathogenic variant. For these reasons, this variant has been classified as Pathogenic. This variant disrupts the p.Phe206 amino acid residue in PMM2. Other variant(s) that disrupt this residue have been observed in individuals with PMM2-related conditions (PMID: 12357336), which suggests that this may be a clinically significant amino acid residue. Advanced modeling of protein sequence and biophysical properties (such as structural, functional, and spatial information, amino acid conservation, physicochemical variation, residue mobility, and thermodynamic stability) performed at Invitae indicates that this missense variant is expected to disrupt PMM2 protein function. ClinVar contains an entry for this variant (Variation ID: 556280). This variant is not present in population databases (gnomAD no frequency). This sequence change replaces phenylalanine, which is neutral and non-polar, with leucine, which is neutral and non-polar, at codon 206 of the PMM2 protein (p.Phe206Leu).

Counsyl
Classification: Uncertain significance for PMM2-congenital disorder of glycosylation. Last evaluated: 2018-01-23. Review status: no assertion criteria provided. Collection method: clinical testing. Allele origin: unknown. Not counted in ClinVar's aggregate classification.

Literature cited by the submitters: PubMed 19165618 (cited by Labcorp Genetics (formerly Invitae), Labcorp and Counsyl); PubMed 12357336 (cited by Labcorp Genetics (formerly Invitae), Labcorp).